The following is an entry in ClinVar:

NM_000553.6(WRN):c.210-1G>A

Gene: WRN (WRN RecQ like helicase; plus strand). Cytogenetic location: 8p12.
Variant type: single nucleotide variant.
Coding change: c.210-1G>A on transcript NM_000553.6 (MANE Select); the canonical splice acceptor site of the intron before coding-DNA position 210, G replaced by A.
Molecular consequence: splice acceptor variant.
Genome position (GRCh38, 1-based): chr8:31,064,288, G>A. VCF-style: chr8-31064288-G-A. GRCh37 (hg19) VCF-style: chr8-30921804-G-A.
Identifiers: ClinVar variation 458402 (VCV000458402.7), dbSNP rs758988621, ClinGen allele CA4704015.
Genomic context (GRCh38, chr8:31,064,288, plus strand): 5'-TAGTTATGCAGAAGTTTAAAATTTTAACATAAATTAATTTACACTATTTTTCTCACTTTA[G>A]CATGAGTCTATCAGATGGGGATGTGGTGGGATTTGACATGGAGTGGCCACCATTATACAA-3'

ClinVar aggregate classification (germline): Pathogenic/Likely pathogenic. Review status: criteria provided, multiple submitters, no conflicts (2 of 4 stars). 2 submissions from 2 submitters: Pathogenic (1); Likely pathogenic (1). Last evaluated 2023-12-25.

Conditions:
Werner syndrome (WRN). Identifiers: Orphanet 902, MedGen C0043119, MONDO:0010196, OMIM 277700.

Allele frequency attached by ClinVar (database versions not stated): ExAC 0.00002; gnomAD 0.00002; gnomAD exomes 0.00002; TOPMed 0.00003.
gnomAD v4.1: 26 of 1,613,750 alleles (0.0016%); highest among the groups gnomAD compares: African/African-American, 0.0067%; no homozygotes.

Submissions (2):

Baylor Genetics
Classification: Likely pathogenic for Werner syndrome. Last evaluated: 2023-12-25. Review status: criteria provided, single submitter. Criteria: ACMG Guidelines, 2015. Collection method: clinical testing. Allele origin: unknown.

Labcorp Genetics (formerly Invitae), Labcorp
Classification: Pathogenic for Werner syndrome. Last evaluated: 2023-10-07. Review status: criteria provided, single submitter. Criteria: Invitae Variant Classification Sherloc (09022015). Collection method: clinical testing. Allele origin: germline.
Comment: This sequence change affects an acceptor splice site in intron 3 of the WRN gene. RNA analysis indicates that disruption of this splice site induces altered splicing and may result in an absent or disrupted protein product. This variant is present in population databases (rs758988621, gnomAD 0.01%). This variant has not been reported in the literature in individuals affected with WRN-related conditions. ClinVar contains an entry for this variant (Variation ID: 458402). Studies have shown that disruption of this splice site results in skipping of exon 4 and introduces a premature termination codon (Invitae). The resulting mRNA is expected to undergo nonsense-mediated decay. For these reasons, this variant has been classified as Pathogenic.